The following is an entry in ClinVar:

ClinVar aggregate classification (germline): Benign. Review status: criteria provided, multiple submitters, no conflicts (2 of 4 stars). 3 submissions from 3 submitters: Benign (3). Last evaluated 2021-06-10.

Conditions:
Miyoshi muscular dystrophy 1 (MMD1). Identifiers: Orphanet 45448, MedGen C4551973, MONDO:0024545, OMIM 254130.

Allele frequency attached by ClinVar (database versions not stated): gnomAD 0.12151 and 0.12613; 1000 Genomes Project 0.12340; 1000 Genomes Project 30x 0.13054; TOPMed 0.13064.
gnomAD v4.1: 95,447 of 1,462,008 alleles (6.5%); highest among the groups gnomAD compares: African/African-American, 29%; 5,226 homozygotes.

Submissions (3):

Genome-Nilou Lab
Classification: Benign for Miyoshi muscular dystrophy 1. Last evaluated: 2021-06-10. Review status: criteria provided, single submitter. Criteria: ACMG Guidelines, 2015. Collection method: clinical testing. Allele origin: germline. Affected: no.

GeneDx
Classification: Benign. Last evaluated: 2018-06-18. Review status: criteria provided, single submitter. Criteria: GeneDx Variant Classification (06012015). Collection method: clinical testing. Allele origin: germline. Affected: yes.
Comment: This variant is considered likely benign or benign based on one or more of the following criteria: it is a conservative change, it occurs at a poorly conserved position in the protein, it is predicted to be benign by multiple in silico algorithms, and/or has population frequency not consistent with disease.

Breakthrough Genomics
Classification: Benign. Review status: criteria provided, single submitter. Criteria: ACMG Guidelines, 2015. Collection method: not provided. Allele origin: germline. Inheritance: Autosomal recessive inheritance. Affected: yes.

NM_001130987.2(DYSF):c.4221+96C>T

Gene: DYSF (dysferlin; plus strand). Cytogenetic location: 2p13.2.
Variant type: single nucleotide variant.
Coding change: c.4221+96C>T on transcript NM_001130987.2 (MANE Select); 96 bases into the intron after coding-DNA position 4221, C replaced by T.
Molecular consequence: intron variant.
Genome position (GRCh38, 1-based): chr2:71,611,722, C>T. VCF-style: chr2-71611722-C-T. GRCh37 (hg19) VCF-style: chr2-71838852-C-T.
Other names: c.4260+96C>T (NM_001130979.2); c.4218+96C>T (NM_001130981.2, NM_001130980.2); c.4167+96C>T (NM_001130978.2, NM_003494.4); c.4125+96C>T (NM_001130977.2, NM_001130976.2); c.4263+96C>T (NM_001130982.2); c.4221+96C>T (NM_001130985.2); c.4170+96C>T (NM_001130983.2, NM_001130455.2); c.4128+96C>T (NM_001130984.2, NM_001130986.2).
Identifiers: ClinVar variation 670489 (VCV000670489.5), dbSNP rs2016605, ClinGen allele CA11228424.